The following is an entry in ClinVar:

NM_006885.4(ZFHX3):c.7140A>C (p.Ser2380=)

Genes: ZFHX3 (zinc finger homeobox 3; minus strand), ZFHX3-AS1 (ZFHX3 antisense RNA 1; plus strand). Cytogenetic location: 16q22.2.
Variant type: single nucleotide variant.
Coding change: c.7140A>C on transcript NM_006885.4 (MANE Select); coding-DNA position 7140, A replaced by C.
Protein change: p.Ser2380=; no amino-acid change (serine 2380 retained).
Molecular consequence: synonymous variant.
Genome position (GRCh38, 1-based): chr16:72,795,542, T>G on the plus strand (A>C on the coding strand, the complement: ZFHX3 is on the minus strand). VCF-style: chr16-72795542-T-G. GRCh37 (hg19) VCF-style: chr16-72829441-T-G.
Other names: c.4398A>C, p.Ser1466= (NM_001164766.2); c.7140A>C, p.Ser2380= (NM_001386735.1).
Identifiers: ClinVar variation 3777923 (VCV003777923.7).

ClinVar aggregate classification (germline): Likely benign (1 of 4 stars; one submission).

Submission:

CeGaT Center for Human Genetics Tuebingen
Classification: Likely benign. Last evaluated: 2025-03-01. Review status: criteria provided, single submitter. Criteria: CeGaT Center For Human Genetics Tuebingen Variant Classification Criteria Version 2. Collection method: clinical testing. Allele origin: germline. Affected: yes. Observed: 1 variant allele.
Comment: ZFHX3: BP4, BP7